The following is an entry in ClinVar:

NM_144498.4(OSBPL2):c.733G>A (p.Gly245Arg)

Gene: OSBPL2 (oxysterol binding protein like 2; plus strand). Cytogenetic location: 20q13.33.
Variant type: single nucleotide variant.
Coding change: c.733G>A on transcript NM_144498.4 (MANE Select); coding-DNA position 733, G replaced by A.
Protein change: p.Gly245Arg; replaces glycine 245 with arginine.
Molecular consequence: missense variant.
Genome position (GRCh38, 1-based): chr20:62,281,116, G>A. VCF-style: chr20-62281116-G-A. GRCh37 (hg19) VCF-style: chr20-60856172-G-A.
Other names: c.457G>A, p.Gly153Arg (NM_001278649.3, NM_001363878.2); c.697G>A, p.Gly233Arg (NM_014835.5); c.733G>A (NM_144498.1); short protein forms G245R, G153R, G233R.
Identifiers: ClinVar variation 2728995 (VCV002728995.4), dbSNP rs1323712852, ClinGen allele CA409544338.

ClinVar aggregate classification (germline): Uncertain significance. Review status: criteria provided, multiple submitters, no conflicts (2 of 4 stars). 2 submissions from 2 submitters: Uncertain significance (2). Last evaluated 2025-05-28.

Conditions:
Inborn genetic diseases. Identifiers: MedGen C0950123, MeSH D030342.

Allele frequency attached by ClinVar (database versions not stated): gnomAD exomes below 0.00001; gnomAD 0.00001; TOPMed 0.00001.
gnomAD v4.1: 5 of 1,614,090 alleles (0.00031%); highest among the groups gnomAD compares: Non-Finnish European, 0.00042%; no homozygotes.

Submissions (2):

Ambry Genetics
Classification: Uncertain significance for Inborn genetic diseases. Last evaluated: 2025-05-28. Review status: criteria provided, single submitter. Criteria: Ambry Variant Classification Scheme 2023. Collection method: clinical testing. Allele origin: germline.

Labcorp Genetics (formerly Invitae), Labcorp
Classification: Uncertain significance. Last evaluated: 2023-03-23. Review status: criteria provided, single submitter. Criteria: Invitae Variant Classification Sherloc (09022015). Collection method: clinical testing. Allele origin: germline.
Comment: An algorithm developed to predict the effect of missense changes on protein structure and function (PolyPhen-2) suggests that this variant is likely to be disruptive. In summary, the available evidence is currently insufficient to determine the role of this variant in disease. Therefore, it has been classified as a Variant of Uncertain Significance. This variant has not been reported in the literature in individuals affected with OSBPL2-related conditions. This variant is present in population databases (no rsID available, gnomAD 0.0009%). This sequence change replaces glycine, which is neutral and non-polar, with arginine, which is basic and polar, at codon 245 of the OSBPL2 protein (p.Gly245Arg).